The following is an entry in ClinVar:

NM_002778.4(PSAP):c.1369G>T (p.Glu457Ter)

Gene: PSAP (prosaposin; minus strand). Cytogenetic location: 10q22.1.
Variant type: single nucleotide variant.
Coding change: c.1369G>T on transcript NM_002778.4 (MANE Select); coding-DNA position 1369, G replaced by T.
Protein change: p.Glu457Ter; replaces glutamic acid 457 with a stop codon.
Molecular consequence: nonsense.
Genome position (GRCh38, 1-based): chr10:71,819,093, C>A on the plus strand (G>T on the coding strand, the complement: PSAP is on the minus strand). VCF-style: chr10-71819093-C-A. GRCh37 (hg19) VCF-style: chr10-73578850-C-A.
Other names: c.1369G>T (NM_002778.2); c.1378G>T, p.Glu460Ter (NM_001042465.3); c.1375G>T, p.Glu459Ter (NM_001042466.3); short protein forms E460*, E459*, E457*.
Identifiers: ClinVar variation 438801 (VCV000438801.3), dbSNP rs1554879741, ClinGen allele CA377142142.
Genomic context (GRCh38, chr10:71,819,093, plus strand): 5'-AGCACACGAAGGAAGGATCCATCACCTCCACCAGGATCTCGATCAGCACGGGCTCGTACT[C>A]TGCCACAAACTGATCACACTATAAAGGAAAGTGGGGACACAGGTCCAGCTCTGGGGGTGT-3'

ClinVar aggregate classification (germline): Likely pathogenic. Review status: criteria provided, single submitter (1 of 4 stars). 2 submissions from 2 submitters: Likely pathogenic (1). 1 of the submissions does not count toward it. Last evaluated 2024-03-03.

Conditions:
Sphingolipid activator protein 1 deficiency. Also called: Saposin B Deficiency; METACHROMATIC LEUKODYSTROPHY DUE TO CEREBROSIDE SULFATASE ACTIVATOR DEFICIENCY; Metachromatic leukodystrophy due to saposin B deficiency. Identifiers: Orphanet 512, MedGen C0268262, MONDO:0009590, OMIM 249900.
Gaucher disease due to saposin C deficiency. Also called: Saposin C Deficiency; Atypical Gaucher disease due to saposin C deficiency. Identifiers: Orphanet 309252, Orphanet 355, MedGen C1864651, MONDO:0012517, OMIM 610539.
Krabbe disease due to saposin A deficiency. Also called: Saposin A Deficiency; KRABBE DISEASE, ATYPICAL, DUE TO SAPOSIN A DEFICIENCY. Identifiers: Orphanet 487, MedGen C2673266, MONDO:0012720, OMIM 611722.
Combined PSAP deficiency (PSAPD). Also called: Encephalopathy due to prosaposin deficiency; PROSAPOSIN DEFICIENCY; COMBINED SAP DEFICIENCY. Identifiers: Orphanet 139406, MedGen C2673635, MONDO:0012719, OMIM 611721.

Submissions (2):

GeneDx
Classification: Likely pathogenic. Last evaluated: 2024-03-03. Review status: criteria provided, single submitter. Criteria: GeneDx Variant Classification Process June 2021. Collection method: clinical testing. Allele origin: germline. Affected: yes.
Comment: Nonsense variant predicted to result in protein truncation or nonsense mediated decay in a gene for which loss of function is a known mechanism of disease; Not observed at significant frequency in large population cohorts (gnomAD); Has been reported as a single heterozygous incidental finding in a child with seizures, abnormal facies, and congential anomalies (Parsons et al., 2016); This variant is associated with the following publications: (PMID: 26822237)

Donald Williams Parsons Laboratory, Baylor College of Medicine
Classification: Pathogenic for Combined PSAP deficiency; Gaucher disease due to saposin C deficiency; Krabbe disease due to saposin A deficiency; Sphingolipid activator protein 1 deficiency. Last evaluated: 2013-06-18. Review status: no assertion criteria provided. Collection method: research. Allele origin: maternal. Inheritance: Autosomal recessive inheritance. Observed: 1 variant allele, 1 heterozygote. Study: CSER-BASIC3. Not counted in ClinVar's aggregate classification.
Comment: This nonsense variant is categorized as deleterious according to ACMG guidelines (PMID:18414213). It would be pathogenic in a recessive state; heterozygotes would be carriers for the condition.

Literature cited by the submitters: PubMed 26822237 (cited by Donald Williams Parsons Laboratory, Baylor College of Medicine).